The following is an entry in ClinVar:

ClinVar aggregate classification (germline): Uncertain significance (1 of 4 stars; one submission).

Conditions:
Nephronophthisis. Also called: Juvenile Nephronophthisis. Identifiers: Orphanet 655, MedGen C0687120, MONDO:0019005, HP:0000090.

Allele frequency attached by ClinVar (database versions not stated): gnomAD 0.00001; ExAC 0.00002; gnomAD exomes 0.00002 and 0.00003; TOPMed 0.00002; 1000 Genomes Project 30x 0.00016; 1000 Genomes Project 0.00020.

Submission:

Labcorp Genetics (formerly Invitae), Labcorp
Classification: Uncertain significance for Nephronophthisis. Last evaluated: 2025-09-02. Review status: criteria provided, single submitter. Criteria: Invitae Variant Classification Sherloc (09022015). Collection method: clinical testing. Allele origin: germline.
Comment: This sequence change replaces arginine, which is basic and polar, with histidine, which is basic and polar, at codon 435 of the IQCB1 protein (p.Arg435His). This variant is present in population databases (rs146832128, gnomAD 0.01%). This variant has not been reported in the literature in individuals affected with IQCB1-related conditions. ClinVar contains an entry for this variant (Variation ID: 1414961). Invitae Evidence Modeling of protein sequence and biophysical properties (such as structural, functional, and spatial information, amino acid conservation, physicochemical variation, residue mobility, and thermodynamic stability) indicates that this missense variant is not expected to disrupt IQCB1 protein function with a negative predictive value of 80%. In summary, the available evidence is currently insufficient to determine the role of this variant in disease. Therefore, it has been classified as a Variant of Uncertain Significance.

NM_001023570.4(IQCB1):c.1304G>A (p.Arg435His)

Gene: IQCB1 (IQ motif containing B1; minus strand). Cytogenetic location: 3q13.33.
Variant type: single nucleotide variant.
Coding change: c.1304G>A on transcript NM_001023570.4 (MANE Select); coding-DNA position 1304, G replaced by A.
Protein change: p.Arg435His; replaces arginine 435 with histidine.
Molecular consequence: missense variant. On other transcripts: non-coding transcript variant (1).
Genome position (GRCh38, 1-based): chr3:121,781,849, C>T on the plus strand (G>A on the coding strand, the complement: IQCB1 is on the minus strand). VCF-style: chr3-121781849-C-T. GRCh37 (hg19) VCF-style: chr3-121500696-C-T.
Other names: c.905G>A, p.Arg302His (NM_001023571.4); c.1304G>A, p.Arg435His (NM_001319107.2); short protein forms R302H, R435H.
Identifiers: ClinVar variation 1414961 (VCV001414961.5), dbSNP rs146832128, ClinGen allele CA2567129.